The following is an entry in ClinVar:

ClinVar aggregate classification (germline): Pathogenic. Review status: criteria provided, multiple submitters, no conflicts (2 of 4 stars). 2 submissions from 2 submitters: Pathogenic (2). Last evaluated 2025-12-30.

Conditions:
Familial thoracic aortic aneurysm and aortic dissection (TAAD). Also called: Thoracic aortic aneurysms and dissections. Identifiers: Orphanet 91387, MedGen C4707243, MONDO:0019625.
Marfan syndrome (MFS). Also called: Marfan syndrome type 1; Marfan syndrome, classic; Marfan's syndrome; FBN1-Related Marfan Syndrome; MARFAN SYNDROME, TYPE I. Identifiers: Orphanet 284963, Orphanet 558, MedGen C0024796, MONDO:0007947, OMIM 154700.

Submissions (2):

Ambry Genetics
Classification: Pathogenic for Familial thoracic aortic aneurysm and aortic dissection. Last evaluated: 2025-12-30. Review status: criteria provided, single submitter. Criteria: Ambry Variant Classification Scheme 2023. Collection method: clinical testing. Allele origin: germline.
Comment: The c.4813delG pathogenic mutation, located in coding exon 38 of the FBN1 gene, results from a deletion of one nucleotide at nucleotide position 4813, causing a translational frameshift with a predicted alternate stop codon (p.E1605Kfs*35). This variant was reported in individual(s) with features consistent with Marfan syndrome (Meester JAN et al. Genet Med. 2022 May;24(5):1045-1053; Ambry internal data). This variant is considered to be rare based on population cohorts in the Genome Aggregation Database (gnomAD). This alteration is expected to result in loss of function by premature protein truncation or nonsense-mediated mRNA decay. As such, this alteration is interpreted as a disease-causing mutation.

Centre of Medical Genetics, University of Antwerp
Classification: Pathogenic for Marfan syndrome. Last evaluated: 2021-03-01. Review status: criteria provided, single submitter. Criteria: Submitter's publication. Collection method: research. Allele origin: unknown. Affected: yes.
Comment: PM2, PVS1, PP4

Literature cited by the submitters: PubMed 35058154 (cited by Ambry Genetics).

NM_000138.5(FBN1):c.4813del (p.Glu1605fs)

Gene: FBN1 (fibrillin 1; minus strand). Cytogenetic location: 15q21.1.
Variant type: Deletion.
Coding change: c.4813del on transcript NM_000138.5 (MANE Select); coding-DNA position 4813, one base deleted (G; older notation c.4813delG).
Protein change: p.Glu1605fs; shifts the reading frame from glutamic acid 1605.
Molecular consequence: frameshift variant.
Genome position (GRCh38, 1-based): chr15:48,465,793, C deleted on the plus strand (G on the coding strand, the reverse complement: FBN1 is on the minus strand); the first of 2 consecutive C bases (chr15:48,465,793-48,465,794); deleting either gives the same sequence. VCF-style (leftmost placement, unchanged base first): chr15-48465792-TC-T. GRCh37 (hg19) VCF-style: chr15-48757989-TC-T.
Other names: c.4813delG (NM_000138.4); short protein forms E1605fs.
Identifiers: ClinVar variation 519703 (VCV000519703.23), dbSNP rs1555397016, ClinGen allele CA658798334.